The following is an entry in ClinVar:

ClinVar aggregate classification (germline): Likely pathogenic (1 of 4 stars; one submission).

Conditions:
LAMA2-related muscular dystrophy (LAMA2-RD). Also called: Laminin alpha 2-related dystrophy. Identifiers: MedGen C5679788, MONDO:0100228.

Submission:

Myriad Genetics, Inc.
Classification: Likely pathogenic for LAMA2-related muscular dystrophy. Last evaluated: 2019-08-15. Review status: criteria provided, single submitter. Criteria: Myriad Autosomal Dominant, Autosomal Recessive and X-Linked Classification Criteria (2023). Collection method: clinical testing. Allele origin: unknown.
Comment: NM_000426.3(LAMA2):c.3270T>A(C1090*) is expected to be pathogenic in the context of LAMA2-related muscular dystrophy. This variant is predicted to lead to an abnormal or absent protein product due to the creation of a premature termination codon in LAMA2, a gene where loss-of-function variants are known to be pathogenic. Please note: this variant was assessed in the context of healthy population screening.

NM_000426.4(LAMA2):c.3270T>A (p.Cys1090Ter)

Gene: LAMA2 (laminin subunit alpha 2; plus strand). Cytogenetic location: 6q22.33.
Variant type: single nucleotide variant.
Coding change: c.3270T>A on transcript NM_000426.4 (MANE Select); coding-DNA position 3270, T replaced by A.
Protein change: p.Cys1090Ter; replaces cysteine 1090 with a stop codon.
Molecular consequence: nonsense.
Genome position (GRCh38, 1-based): chr6:129,312,956, T>A. VCF-style: chr6-129312956-T-A. GRCh37 (hg19) VCF-style: chr6-129634101-T-A.
Other names: c.3270T>A, p.Cys1090Ter (NM_001079823.2); short protein forms C1090*.
Identifiers: ClinVar variation 983918 (VCV000983918.4), dbSNP rs1774323015, ClinGen allele CA365611841.